The following is an entry in ClinVar:

ClinVar aggregate classification (germline): Benign. Review status: criteria provided, multiple submitters, no conflicts (2 of 4 stars). 13 submissions from 10 submitters: Benign (10). 3 of the submissions do not count toward it. Last evaluated 2026-02-04.

Conditions:
UV-sensitive syndrome 1 (UVSS1). Identifiers: Orphanet 178338, MedGen C3551173, MONDO:0010909, OMIM 600630.
Cerebrooculofacioskeletal syndrome 1 (COFS1). Also called: Cerebro-oculo-facio-skeletal syndrome 1. Identifiers: MedGen C0220722, MONDO:0008955, OMIM 214150.
Cockayne syndrome type 2 (CSB). Also called: COCKAYNE SYNDROME B; Cockayne Syndrome, Type II. Identifiers: Orphanet 191, Orphanet 90322, MedGen C0751038, MONDO:0019570, OMIM 133540.
DE SANCTIS-CACCHIONE SYNDROME. Identifiers: MedGen C0265201, MONDO:0010217, OMIM 278800.

Allele frequency attached by ClinVar (database versions not stated): ESP Exome Variant Server 0.07881; gnomAD exomes 0.08082 and 0.12760; gnomAD 0.09896 and 0.10284; TOPMed 0.11068; ExAC 0.11896; 1000 Genomes Project 0.17572; 1000 Genomes Project 30x 0.17708.
gnomAD v4.1: 134,559 of 1,613,920 alleles (8.3%); highest among the groups gnomAD compares: East Asian, 35%; 8,843 homozygotes.

Submissions (13):

Labcorp Genetics (formerly Invitae), Labcorp
Classification: Benign. Last evaluated: 2026-02-04. Review status: criteria provided, single submitter. Criteria: Invitae Variant Classification Sherloc (09022015). Collection method: clinical testing. Allele origin: germline.

Genome-Nilou Lab
Classification: Benign for Cerebrooculofacioskeletal syndrome 1. Last evaluated: 2021-07-30. Review status: criteria provided, single submitter. Criteria: ACMG Guidelines, 2015. Collection method: clinical testing. Allele origin: germline. Affected: no.

Genome-Nilou Lab
Classification: Benign for Cockayne syndrome type 2. Last evaluated: 2021-07-30. Review status: criteria provided, single submitter. Criteria: ACMG Guidelines, 2015. Collection method: clinical testing. Allele origin: germline. Affected: no.

Genome-Nilou Lab
Classification: Benign for DE SANCTIS-CACCHIONE SYNDROME. Last evaluated: 2021-07-30. Review status: criteria provided, single submitter. Criteria: ACMG Guidelines, 2015. Collection method: clinical testing. Allele origin: germline. Affected: no.

Genome-Nilou Lab
Classification: Benign for UV-sensitive syndrome 1. Last evaluated: 2021-07-30. Review status: criteria provided, single submitter. Criteria: ACMG Guidelines, 2015. Collection method: clinical testing. Allele origin: germline. Affected: no.

GeneDx
Classification: Benign. Last evaluated: 2018-10-09. Review status: criteria provided, single submitter. Criteria: GeneDx Variant Classification Process June 2021. Collection method: clinical testing. Allele origin: germline. Affected: yes.

Mayo Clinic Laboratories, Mayo Clinic
Classification: Benign. Last evaluated: 2017-07-18. Review status: criteria provided, single submitter. Criteria: ACMG Guidelines, 2015. Collection method: clinical testing. Allele origin: germline. Observed: 93 variant alleles.

Claritas Genomics
Classification: Benign. Last evaluated: 2012-06-11. Review status: criteria provided, single submitter. Criteria: ACMG Guidelines, 2007. Collection method: clinical testing. Allele origin: germline. Inheritance: Autosomal recessive inheritance.

Breakthrough Genomics
Classification: Benign. Review status: criteria provided, single submitter. Criteria: ACMG Guidelines, 2015. Collection method: not provided. Allele origin: germline. Inheritance: Autosomal recessive inheritance. Affected: yes.

PreventionGenetics, part of Exact Sciences
Classification: Benign. Review status: criteria provided, single submitter. Criteria: ACMG Guidelines, 2015. Collection method: clinical testing. Allele origin: germline.

Clinical Genetics DNA and cytogenetics Diagnostics Lab, Erasmus MC, Erasmus Medical Center
Classification: Benign. Review status: no assertion criteria provided. Collection method: clinical testing. Allele origin: germline. Affected: yes. Study: VKGL Data-share Consensus. Not counted in ClinVar's aggregate classification.

Genetic Services Laboratory, University of Chicago
Classification: Likely benign for AllHighlyPenetrant. Review status: no assertion criteria provided. Collection method: clinical testing. Allele origin: germline. Not counted in ClinVar's aggregate classification.
Comment: Likely benign based on allele frequency in 1000 Genomes Project or ESP global frequency and its presence in a patient with a rare or unrelated disease phenotype. NOT Sanger confirmed.

Joint Genome Diagnostic Labs from Nijmegen and Maastricht, Radboudumc and MUMC+
Classification: Benign. Review status: no assertion criteria provided. Collection method: clinical testing. Allele origin: germline. Affected: yes. Study: VKGL Data-share Consensus. Not counted in ClinVar's aggregate classification.

NM_000124.4(ERCC6):c.411G>A (p.Leu137=)

Gene: ERCC6 (ERCC excision repair 6, chromatin remodeling factor; minus strand). Cytogenetic location: 10q11.23.
Variant type: single nucleotide variant.
Coding change: c.411G>A on transcript NM_000124.4 (MANE Select); coding-DNA position 411, G replaced by A.
Protein change: p.Leu137=; no amino-acid change (leucine 137 retained).
Molecular consequence: synonymous variant.
Genome position (GRCh38, 1-based): chr10:49,532,554, C>T on the plus strand (G>A on the coding strand, the complement: ERCC6 is on the minus strand). VCF-style: chr10-49532554-C-T. GRCh37 (hg19) VCF-style: chr10-50740600-C-T.
Other names: p.Leu137=; c.411G>A, p.Leu137= (NM_001277058.2, NM_001277059.2, NM_001346440.2).
Identifiers: ClinVar variation 129019 (VCV000129019.27), dbSNP rs4253013, ClinGen allele CA152791.